The following is an entry in ClinVar:

NM_022051.3(EGLN1):c.42C>G (p.Ser14Arg)

Gene: EGLN1 (egl-9 family hypoxia inducible factor 1; minus strand). Cytogenetic location: 1q42.2.
Variant type: single nucleotide variant.
Coding change: c.42C>G on transcript NM_022051.3 (MANE Select); coding-DNA position 42, C replaced by G.
Protein change: p.Ser14Arg; replaces serine 14 with arginine.
Molecular consequence: missense variant.
Genome position (GRCh38, 1-based): chr1:231,421,847, G>C on the plus strand (C>G on the coding strand, the complement: EGLN1 is on the minus strand). VCF-style: chr1-231421847-G-C. GRCh37 (hg19) VCF-style: chr1-231557593-G-C.
Other names: c.42C>G, p.Ser14Arg (NM_001377260.1, NM_001377261.1); short protein forms S14R.
Identifiers: ClinVar variation 3843861 (VCV003843861.1).

ClinVar aggregate classification (germline): Uncertain significance (1 of 4 stars; one submission).

Submission:

Ambry Genetics
Classification: Uncertain significance. Last evaluated: 2024-12-20. Review status: criteria provided, single submitter. Criteria: Ambry Variant Classification Scheme 2023. Collection method: clinical testing. Allele origin: germline.
Comment: The p.S14R variant (also known as c.42C>G), located in coding exon 1 of the EGLN1 gene, results from a C to G substitution at nucleotide position 42. The serine at codon 14 is replaced by arginine, an amino acid with dissimilar properties. This amino acid position is well conserved in available vertebrate species. In addition, this alteration is predicted to be tolerated by in silico analysis. The evidence for this gene-disease relationship is limited; therefore, the clinical significance of this alteration is unclear.